The following is an entry in ClinVar:

NM_015311.3(OBSL1):c.2731G>A (p.Val911Met)

Gene: OBSL1 (obscurin like cytoskeletal adaptor 1; minus strand). Cytogenetic location: 2q35.
Variant type: single nucleotide variant.
Coding change: c.2731G>A on transcript NM_015311.3 (MANE Select); coding-DNA position 2731, G replaced by A.
Protein change: p.Val911Met; replaces valine 911 with methionine.
Molecular consequence: missense variant.
Genome position (GRCh38, 1-based): chr2:219,562,624, C>T on the plus strand (G>A on the coding strand, the complement: OBSL1 is on the minus strand). VCF-style: chr2-219562624-C-T. GRCh37 (hg19) VCF-style: chr2-220427346-C-T.
Other names: c.2731G>A, p.Val911Met (NM_001173408.2, NM_001173431.2); short protein forms V911M.
Identifiers: ClinVar variation 897726 (VCV000897726.8), dbSNP rs772500074, ClinGen allele CA2131104.
Genomic context (GRCh38, chr2:219,562,624, plus strand): 5'-AGCGCACCTCTGCCCAGGGCCGGCATAGCTCACAGGTCAGCACCACACGCTCCAGGCGCA[C>T]GGCTGCCACATACACCTTGCCGCTGGGATACACGATCCACGAGGAGACGTCTGGAGGACA-3'
Protein context (NP_056126.1, residues 901-921): YPSGKVYVAA[Val911Met]RLERVVLTCE

ClinVar aggregate classification (germline): Uncertain significance. Review status: criteria provided, multiple submitters, no conflicts (2 of 4 stars). 3 submissions from 3 submitters: Uncertain significance (3). Last evaluated 2024-02-24.

Conditions:
Inborn genetic diseases. Identifiers: MedGen C0950123, MeSH D030342.
3M syndrome 2. Also called: 3-M Syndrome, OBSL1-Related; THREE M SYNDROME 2. Identifiers: Orphanet 2616, MedGen C2752041, MONDO:0013039, OMIM 612921.

Allele frequency attached by ClinVar (database versions not stated): gnomAD 0.00001 and 0.00002; gnomAD exomes 0.00002; TOPMed 0.00002; ExAC 0.00003.
gnomAD v4.1: 59 of 1,591,384 alleles (0.0037%); highest among the groups gnomAD compares: Middle Eastern, 0.017%; no homozygotes.

Submissions (3):

Labcorp Genetics (formerly Invitae), Labcorp
Classification: Uncertain significance. Last evaluated: 2024-02-24. Review status: criteria provided, single submitter. Criteria: Invitae Variant Classification Sherloc (09022015). Collection method: clinical testing. Allele origin: germline.
Comment: This sequence change replaces valine, which is neutral and non-polar, with methionine, which is neutral and non-polar, at codon 911 of the OBSL1 protein (p.Val911Met). This variant is present in population databases (rs772500074, gnomAD 0.01%). This variant has not been reported in the literature in individuals affected with OBSL1-related conditions. ClinVar contains an entry for this variant (Variation ID: 897726). An algorithm developed to predict the effect of missense changes on protein structure and function (PolyPhen-2) suggests that this variant is likely to be disruptive. In summary, the available evidence is currently insufficient to determine the role of this variant in disease. Therefore, it has been classified as a Variant of Uncertain Significance.

Ambry Genetics
Classification: Uncertain significance for Inborn genetic diseases. Last evaluated: 2023-10-16. Review status: criteria provided, single submitter. Criteria: Ambry Variant Classification Scheme 2023. Collection method: clinical testing. Allele origin: germline.

Illumina Laboratory Services, Illumina
Classification: Uncertain significance for 3M syndrome 2. Last evaluated: 2018-01-13. Review status: criteria provided, single submitter. Criteria: ICSL Variant Classification Criteria 13 December 2019. Collection method: clinical testing. Allele origin: germline.